The following is an entry in ClinVar:

NM_001005242.3(PKP2):c.2168-19T>A

Gene: PKP2 (plakophilin 2; minus strand). Cytogenetic location: 12p11.21.
Variant type: single nucleotide variant.
Coding change: c.2168-19T>A on transcript NM_001005242.3 (MANE Select); 19 bases into the intron before coding-DNA position 2168, T replaced by A.
Molecular consequence: intron variant.
Genome position (GRCh38, 1-based): chr12:32,796,317, A>T on the plus strand (T>A on the coding strand, the complement: PKP2 is on the minus strand). VCF-style: chr12-32796317-A-T. GRCh37 (hg19) VCF-style: chr12-32949251-A-T.
Other names: c.2300-19T>A (NM_004572.4).
Identifiers: ClinVar variation 378369 (VCV000378369.17), dbSNP rs527736735, ClinGen allele CA6508281.
Genomic context (GRCh38, chr12:32,796,317, plus strand): 5'-TGTCAGGAATGATGGAAACCAAATCAGGGAGAGTTTCTTTGGCTACAAAATGAAAAAAAA[A>T]ACAAAACACTTGATTAAAAAGATTGTTTCTTAATCCCAAGATCCCAATATATTTTGGGTG-3'

ClinVar aggregate classification (germline): Benign/Likely benign. Review status: criteria provided, multiple submitters, no conflicts (2 of 4 stars). 5 submissions from 5 submitters: Benign (2); Likely benign (3). Last evaluated 2026-02-02.

Conditions:
Arrhythmogenic right ventricular dysplasia 9 (ARVD9). Also called: Arrhythmogenic Right Ventricular Dysplasia/Cardiomyopathy 9; ARRHYTHMOGENIC RIGHT VENTRICULAR DYSPLASIA, FAMILIAL, 9. Identifiers: MedGen C1836906, MONDO:0012180, OMIM 609040.

Allele frequency attached by ClinVar (database versions not stated): gnomAD exomes 0.00017 and 0.00047; ExAC 0.00079; 1000 Genomes Project 0.00180; gnomAD 0.00185 and 0.00203; TOPMed 0.00197.
gnomAD v4.1: 526 of 1,526,520 alleles (0.034%); highest among the groups gnomAD compares: African/African-American, 0.67%; 6 homozygotes.

Submissions (5):

Labcorp Genetics (formerly Invitae), Labcorp
Classification: Likely benign for Arrhythmogenic right ventricular dysplasia 9. Last evaluated: 2026-02-02. Review status: criteria provided, single submitter. Criteria: Invitae Variant Classification Sherloc (09022015). Collection method: clinical testing. Allele origin: germline.

Blueprint Genetics
Classification: Likely benign. Last evaluated: 2024-03-07. Review status: criteria provided, single submitter. Criteria: ACMG Guidelines, 2015. Collection method: clinical testing. Allele origin: germline.

ARUP Laboratories, Molecular Genetics and Genomics, ARUP Laboratories
Classification: Benign for Arrhythmogenic right ventricular dysplasia 9. Last evaluated: 2021-11-09. Review status: criteria provided, single submitter. Criteria: ARUP Molecular Germline Variant Investigation Process 2021. Collection method: clinical testing. Allele origin: germline.

Women's Health and Genetics/Laboratory Corporation of America, LabCorp
Classification: Benign. Last evaluated: 2019-12-09. Review status: criteria provided, single submitter. Criteria: LabCorp Variant Classification Summary - May 2015. Collection method: clinical testing. Allele origin: germline.
Comment: Variant summary: PKP2 c.2300-19T>A alters a nucleotide located close to a canonical splice site and therefore could affect mRNA splicing, leading to a significantly altered protein sequence. 5/5 computational tools predict no significant impact on normal splicing. However, these predictions have yet to be confirmed by functional studies. The variant allele was found at a frequency of 0.00047 in 230752 control chromosomes, predominantly at a frequency of 0.0066 within the African or African-American subpopulation in the gnomAD database, including 1 homozygotes. The observed variant frequency within African or African-American control individuals in the gnomAD database is approximately 6-folds over the estimated maximal expected allele frequency for a pathogenic variant in PKP2 causing Cardiomyopathy phenotype (0.0011), strongly suggesting that the variant is a benign polymorphism found primarily in populations of African or African-American origin. To our knowledge, no occurrence of c.2300-19T>A in individuals affected with Cardiomyopathy and no experimental evidence demonstrating its impact on protein function have been reported. A ClinVar submission (evaluation after 2014) cites the variant as likely benign. Based on the evidence outlined above, the variant was classified as benign.

GeneDx
Classification: Likely benign. Last evaluated: 2018-01-30. Review status: criteria provided, single submitter. Criteria: GeneDx Variant Classification (06012015). Collection method: clinical testing. Allele origin: germline. Affected: yes.
Comment: This variant is considered likely benign or benign based on one or more of the following criteria: it is a conservative change, it occurs at a poorly conserved position in the protein, it is predicted to be benign by multiple in silico algorithms, and/or has population frequency not consistent with disease.